The following is an entry in ClinVar:

ClinVar aggregate classification (germline): Likely benign. Review status: criteria provided, multiple submitters, no conflicts (2 of 4 stars). 3 submissions from 3 submitters: Likely benign (3). Last evaluated 2026-09-01.

Conditions:
Spinocerebellar ataxia, autosomal recessive, with axonal neuropathy 2 (SCAN2). Also called: ATAXIA-OCULOMOTOR APRAXIA 2; Ataxia-ocular apraxia-2; Ataxia with Oculomotor Apraxia Type 2; Ataxia with Oculomotor Apraxia. Identifiers: Orphanet 64753, MedGen C1853761, MONDO:0018996, OMIM 606002.
Amyotrophic lateral sclerosis type 4 (ALS4). Also called: AMYOTROPHIC LATERAL SCLEROSIS 4, JUVENILE; NEURONOPATHY, DISTAL HEREDITARY MOTOR, WITH PYRAMIDAL FEATURES. Identifiers: Orphanet 357043, MedGen C1865409, MONDO:0011223, OMIM 602433.
SETX-related disorder. Also called: SETX-related condition; SETX-related disorders. Identifiers: MedGen CN239403.

Allele frequency attached by ClinVar (database versions not stated): ExAC 0.00001; gnomAD 0.00003; TOPMed 0.00004; gnomAD exomes 0.00006.

Submissions (3):

PreventionGenetics, part of Exact Sciences
Classification: Likely benign for SETX-related condition. Last evaluated: 2026-09-01. Review status: criteria provided, single submitter. Criteria: ACMG Guidelines, 2015. Collection method: clinical testing. Allele origin: germline.
Comment: This variant is classified as likely benign based on ACMG/AMP sequence variant interpretation guidelines (Richards et al. 2015 PMID: 25741868, with internal and published modifications).

Labcorp Genetics (formerly Invitae), Labcorp
Classification: Likely benign for Amyotrophic lateral sclerosis type 4; Spinocerebellar ataxia, autosomal recessive, with axonal neuropathy 2. Last evaluated: 2024-10-27. Review status: criteria provided, single submitter. Criteria: Invitae Variant Classification Sherloc (09022015). Collection method: clinical testing. Allele origin: germline.

Blueprint Genetics
Classification: Likely benign. Last evaluated: 2024-06-25. Review status: criteria provided, single submitter. Criteria: ACMG Guidelines, 2015. Collection method: clinical testing. Allele origin: germline.

NM_015046.7(SETX):c.1338A>G (p.Gln446=)

Gene: SETX (senataxin; minus strand). Cytogenetic location: 9q34.13.
Variant type: single nucleotide variant.
Coding change: c.1338A>G on transcript NM_015046.7 (MANE Select); coding-DNA position 1338, A replaced by G.
Protein change: p.Gln446=; no amino-acid change (glutamine 446 retained).
Molecular consequence: synonymous variant.
Genome position (GRCh38, 1-based): chr9:132,330,260, T>C on the plus strand (A>G on the coding strand, the complement: SETX is on the minus strand). VCF-style: chr9-132330260-T-C. GRCh37 (hg19) VCF-style: chr9-135205647-T-C.
Other names: c.1338A>G, p.Gln446= (NM_001351527.2, NM_001351528.2).
Identifiers: ClinVar variation 2073467 (VCV002073467.6), dbSNP rs765988933, ClinGen allele CA5297798.